The following is an entry in ClinVar:

NM_004463.3(FGD1):c.898G>C (p.Val300Leu)

Gene: FGD1 (FYVE, RhoGEF and PH domain containing 1; minus strand). Cytogenetic location: Xp11.22.
Variant type: single nucleotide variant.
Coding change: c.898G>C on transcript NM_004463.3 (MANE Select); coding-DNA position 898, G replaced by C.
Protein change: p.Val300Leu; replaces valine 300 with leucine.
Molecular consequence: missense variant.
Genome position (GRCh38, 1-based): chrX:54,470,219, C>G on the plus strand (G>C on the coding strand, the complement: FGD1 is on the minus strand). VCF-style: chrX-54470219-C-G. GRCh37 (hg19) VCF-style: chrX-54496652-C-G.
Other names: short protein forms V300L.
Identifiers: ClinVar variation 4847718 (VCV004847718.1).

ClinVar aggregate classification (germline): Uncertain significance (1 of 4 stars; one submission).

gnomAD v4.1: 5 of 1,206,134 alleles (0.00041%); highest among the groups gnomAD compares: Admixed American, 0.011%; no homozygotes.

Submission:

Women's Health and Genetics/Laboratory Corporation of America, LabCorp
Classification: Uncertain significance. Last evaluated: 2026-03-24. Review status: criteria provided, single submitter. Criteria: LabCorp Variant Classification Summary - May 2015. Collection method: clinical testing. Allele origin: germline.
Comment: Variant summary: FGD1 c.898G>C (p.Val300Leu) results in a conservative amino acid change in the encoded protein sequence. Algorithms developed to predict the effect of missense changes on protein structure and function all suggest that this variant is likely to be tolerated. The variant allele was found at a frequency of 3e-05 in 167136 control chromosomes. The available data on variant occurrences in the general population are insufficient to allow any conclusion about variant significance. To our knowledge, no occurrence of c.898G>C in individuals affected with FGD1-related conditions and no experimental evidence demonstrating its impact on protein function have been reported. No submitters have cited clinical-significance assessments for this variant to ClinVar. Based on the evidence outlined above, the variant was classified as uncertain significance.